The following is an entry in ClinVar:

ClinVar aggregate classification (germline): Pathogenic (1 of 4 stars; one submission).

Conditions:
Cohen syndrome (COH1). Also called: PEPPER SYNDROME; Cutis verticis gyrata, retinitis pigmentosa, and sensorineural deafness. Identifiers: Orphanet 193, MedGen C0265223, MONDO:0008999, OMIM 216550.

Submission:

Women's Health and Genetics/Laboratory Corporation of America, LabCorp
Classification: Pathogenic for Cohen syndrome. Last evaluated: 2024-08-12. Review status: criteria provided, single submitter. Criteria: LabCorp Variant Classification Summary - May 2015. Collection method: clinical testing. Allele origin: germline.
Comment: Variant summary: The variant involves the deletion of exons 32-42 in the VPS13B gene. A presumed nomenclature of c.(5024+1_5025-1)_(7854+1_7855-1)del has been designated for the purposes of this classification. This Copy Number Variant (CNV) is expected to alter the reading frame and predicted to result in a truncation or absence of the encoded protein due to nonsense mediated decay (NMD). The variant was absent in 21694 control chromosomes. To our knowledge, no occurrence of c.(5024+1_5025-1)_(7854+1_7855-1)del in individuals affected with Cohen Syndrome and no experimental evidence demonstrating its impact on protein function have been reported. No submitters have cited clinical-significance assessments for this variant to ClinVar. Based on the evidence outlined above, the variant was classified as pathogenic.

NC_000008.10:g.(100568882_100587885)_(100791260_100796542)del

Gene: VPS13B (vacuolar protein sorting 13 homolog B; plus strand). Cytogenetic location: 8q22.2.
Variant type: Deletion.
Identifiers: ClinVar variation 3366852 (VCV003366852.1).